The following is an entry in ClinVar:

ClinVar aggregate classification (germline): Uncertain significance (1 of 4 stars; one submission).

Conditions:
Primary ciliary dyskinesia. Also called: Ciliary dyskinesia. Identifiers: Orphanet 244, MedGen C0008780, MONDO:0016575, HP:0012265.

gnomAD v4.1: 16 of 1,603,440 alleles (0.001%); highest among the groups gnomAD compares: South Asian, 0.0068%; no homozygotes.

Submission:

Ambry Genetics
Classification: Uncertain significance for Primary ciliary dyskinesia. Last evaluated: 2026-01-12. Review status: criteria provided, single submitter. Criteria: Ambry Variant Classification Scheme 2023. Collection method: clinical testing. Allele origin: germline.
Comment: The p.R272Q variant (also known as c.815G>A), located in coding exon 6 of the LRRC6 gene, results from a G to A substitution at nucleotide position 815. The arginine at codon 272 is replaced by glutamine, an amino acid with highly similar properties. This amino acid position is conserved. In addition, this alteration is predicted to be tolerated by in silico analysis. Based on the available evidence, the clinical significance of this variant remains unclear.

NM_012472.6(DNAAF11):c.815G>A (p.Arg272Gln)

Gene: DNAAF11 (dynein axonemal assembly factor 11; minus strand). Cytogenetic location: 8q24.22.
Variant type: single nucleotide variant.
Coding change: c.815G>A on transcript NM_012472.6 (MANE Select); coding-DNA position 815, G replaced by A.
Protein change: p.Arg272Gln; replaces arginine 272 with glutamine.
Molecular consequence: missense variant. On other transcripts: non-coding transcript variant (10).
Genome position (GRCh38, 1-based): chr8:132,625,293, C>T on the plus strand (G>A on the coding strand, the complement: DNAAF11 is on the minus strand). VCF-style: chr8-132625293-C-T. GRCh37 (hg19) VCF-style: chr8-133637539-C-T.
Other names: c.815G>A, p.Arg272Gln (NM_001321961.2); c.569G>A, p.Arg190Gln (NM_001321962.2); c.455G>A, p.Arg152Gln (NM_001321963.2, NM_001321964.2, NM_001321965.2 and 1 more transcripts); short protein forms R152Q, R190Q, R272Q.
Identifiers: ClinVar variation 4841375 (VCV004841375.1).